The following is an entry in ClinVar:

NM_022455.5(NSD1):c.281C>A (p.Ser94Ter)

Gene: NSD1 (nuclear receptor binding SET domain protein 1; plus strand). Cytogenetic location: 5q35.3.
Variant type: single nucleotide variant.
Coding change: c.281C>A on transcript NM_022455.5 (MANE Select); coding-DNA position 281, C replaced by A.
Protein change: p.Ser94Ter; replaces serine 94 with a stop codon.
Molecular consequence: nonsense. On other transcripts: intron variant (7).
Genome position (GRCh38, 1-based): chr5:177,135,384, C>A. VCF-style: chr5-177135384-C-A. GRCh37 (hg19) VCF-style: chr5-176562385-C-A.
Other names: c.281C>A, p.Ser94Ter (NM_001409301.1, NM_001409302.1, NM_001409303.1 and 1 more transcripts); c.-37+184C>A (NM_001409305.1, NM_001409306.1, NM_001409308.1 and 4 more transcripts); short protein forms S94*.
Identifiers: ClinVar variation 5018849 (VCV005018849.2).

ClinVar aggregate classification (germline): Likely pathogenic (1 of 4 stars; one submission).

Conditions:
Sotos syndrome (SOTOS). Also called: CEREBRAL GIGANTISM; Distinctive facial appearance, overgrowth in childhood, and learning disabilities or delayed development; SOTOS SYNDROME 1; Sotos' syndrome; CHROMOSOME 5q35 DELETION SYNDROME. Identifiers: Orphanet 821, MedGen C0175695, MONDO:0019349, OMIM 117550.

Submission:

Juno Genomics, Hangzhou Juno Genomics, Inc
Classification: Likely pathogenic for Sotos syndrome. Review status: criteria provided, single submitter. Criteria: ACMG Guidelines, 2015. Collection method: clinical testing. Allele origin: germline.
Comment: Absent from controls (or at extremely low frequency if recessive) in Genome Aggregation Database.;Null variant in a gene where loss of function (LOF) is a known mechanism of disease.